The following is an entry in ClinVar:

ClinVar aggregate classification (germline): Likely benign. Review status: criteria provided, multiple submitters, no conflicts (2 of 4 stars). 2 submissions from 2 submitters: Likely benign (2). Last evaluated 2025-02-26.

Conditions:
Birt-Hogg-Dube syndrome. Also called: Birt Hogg Dubé syndrome. Identifiers: Orphanet 122, MedGen C0346010, MONDO:0800444.
Birt-Hogg-Dube syndrome 1 (BHD1). Also called: FIBROFOLLICULOMAS WITH TRICHODISCOMAS AND ACROCHORDONS. Identifiers: Orphanet 122, MedGen CN375946, MONDO:0800445, OMIM 135150.

Submissions (2):

Labcorp Genetics (formerly Invitae), Labcorp
Classification: Likely benign for Birt-Hogg-Dube syndrome. Last evaluated: 2025-02-26. Review status: criteria provided, single submitter. Criteria: Invitae Variant Classification Sherloc (09022015). Collection method: clinical testing. Allele origin: germline.

Myriad Genetics, Inc.
Classification: Likely benign for Birt-Hogg-Dube syndrome 1. Last evaluated: 2024-10-22. Review status: criteria provided, single submitter. Criteria: Myriad Autosomal Dominant, Autosomal Recessive and X-Linked Classification Criteria (2023). Collection method: clinical testing. Allele origin: unknown.
Comment: This variant is considered likely benign. This variant is intronic and is not expected to impact mRNA splicing.

NM_144997.7(FLCN):c.250-12T>C

Gene: FLCN (folliculin; minus strand). Cytogenetic location: 17p11.2.
Variant type: single nucleotide variant.
Coding change: c.250-12T>C on transcript NM_144997.7 (MANE Select); 12 bases into the intron before coding-DNA position 250, T replaced by C.
Molecular consequence: intron variant.
Genome position (GRCh38, 1-based): chr17:17,226,334, A>G on the plus strand (T>C on the coding strand, the complement: FLCN is on the minus strand). VCF-style: chr17-17226334-A-G. GRCh37 (hg19) VCF-style: chr17-17129648-A-G.
Other names: c.250-12T>C (NM_001353231.2, NM_001353230.2, NM_001353229.2 and 1 more transcripts).
Identifiers: ClinVar variation 2850002 (VCV002850002.4), dbSNP rs2544284784, ClinGen allele CA2739265555.